The following is an entry in ClinVar:

NM_000353.3(TAT):c.1090C>T (p.Arg364Trp)

Genes: TAT (tyrosine aminotransferase; minus strand), TAT-AS1 (TAT antisense RNA 1; plus strand). Cytogenetic location: 16q22.2.
Variant type: single nucleotide variant.
Coding change: c.1090C>T on transcript NM_000353.3 (MANE Select); coding-DNA position 1090, C replaced by T.
Protein change: p.Arg364Trp; replaces arginine 364 with tryptophan.
Molecular consequence: missense variant.
Genome position (GRCh38, 1-based): chr16:71,569,889, G>A on the plus strand (C>T on the coding strand, the complement: TAT is on the minus strand). VCF-style: chr16-71569889-G-A. GRCh37 (hg19) VCF-style: chr16-71603792-G-A.
Other names: short protein forms R364W.
Identifiers: ClinVar variation 320405 (VCV000320405.7), dbSNP rs371975183, ClinGen allele CA8153803.

ClinVar aggregate classification (germline): Uncertain significance. Review status: criteria provided, multiple submitters, no conflicts (2 of 4 stars). 3 submissions from 3 submitters: Uncertain significance (3). Last evaluated 2024-10-16.

Conditions:
Tyrosinemia type II (TYRSN2). Also called: KERATOSIS PALMOPLANTARIS WITH CORNEAL DYSTROPHY; OREGON TYPE TYROSINEMIA; TAT DEFICIENCY; TYROSINE AMINOTRANSFERASE DEFICIENCY; TYROSINE TRANSAMINASE DEFICIENCY. Identifiers: Orphanet 28378, MedGen C0268487, MONDO:0010160, OMIM 276600.

Allele frequency attached by ClinVar (database versions not stated): gnomAD exomes 0.00003 and 0.00005; ExAC 0.00004; gnomAD 0.00005 and 0.00006; TOPMed 0.00005; ESP Exome Variant Server 0.00015.
gnomAD v4.1: 83 of 1,613,766 alleles (0.0051%); highest among the groups gnomAD compares: Non-Finnish European, 0.0066%; no homozygotes.

Submissions (3):

Revvity Omics, Revvity
Classification: Uncertain significance for Tyrosinemia type II. Last evaluated: 2024-10-16. Review status: criteria provided, single submitter. Criteria: ACMG Guidelines, 2015. Collection method: clinical testing. Allele origin: germline.

Labcorp Genetics (formerly Invitae), Labcorp
Classification: Uncertain significance for Tyrosinemia type II. Last evaluated: 2022-05-21. Review status: criteria provided, single submitter. Criteria: Invitae Variant Classification Sherloc (09022015). Collection method: clinical testing. Allele origin: germline.
Comment: This sequence change replaces arginine, which is basic and polar, with tryptophan, which is neutral and slightly polar, at codon 364 of the TAT protein (p.Arg364Trp). The frequency data for this variant in the population databases is considered unreliable, as metrics indicate poor data quality at this position in the gnomAD database. This variant has not been reported in the literature in individuals affected with TAT-related conditions. ClinVar contains an entry for this variant (Variation ID: 320405). Algorithms developed to predict the effect of missense changes on protein structure and function are either unavailable or do not agree on the potential impact of this missense change (SIFT: "Deleterious"; PolyPhen-2: "Possibly Damaging"; Align-GVGD: "Class C0"). In summary, the available evidence is currently insufficient to determine the role of this variant in disease. Therefore, it has been classified as a Variant of Uncertain Significance.

Illumina Laboratory Services, Illumina
Classification: Uncertain significance for Tyrosinemia type II. Last evaluated: 2018-01-12. Review status: criteria provided, single submitter. Criteria: ICSL Variant Classification Criteria 13 December 2019. Collection method: clinical testing. Allele origin: germline.